The following is an entry in ClinVar:

NM_000038.6(APC):c.5177A>G (p.Glu1726Gly)

Gene: APC (APC regulator of Wnt signaling pathway; plus strand). Cytogenetic location: 5q22.2.
Variant type: single nucleotide variant.
Coding change: c.5177A>G on transcript NM_000038.6 (MANE Select); coding-DNA position 5177, A replaced by G.
Protein change: p.Glu1726Gly; replaces glutamic acid 1726 with glycine.
Molecular consequence: missense variant.
Genome position (GRCh38, 1-based): chr5:112,840,771, A>G. VCF-style: chr5-112840771-A-G. GRCh37 (hg19) VCF-style: chr5-112176468-A-G.
Other names: c.5177A>G, p.Glu1726Gly (NM_001127510.3, NM_001354895.2); c.5123A>G, p.Glu1708Gly (NM_001127511.3); c.5231A>G, p.Glu1744Gly (NM_001354896.2); c.5207A>G, p.Glu1736Gly (NM_001354897.2); c.5102A>G, p.Glu1701Gly (NM_001354898.2); c.5093A>G, p.Glu1698Gly (NM_001354899.2); c.5054A>G, p.Glu1685Gly (NM_001354900.2); c.5000A>G, p.Glu1667Gly (NM_001354901.2); and 5 more; short protein forms E1726G, E1708G, E1566G, E1736G, E1600G, E1625G, E1701G, E1443G.
Identifiers: ClinVar variation 135707 (VCV000135707.25), dbSNP rs587780598, ClinGen allele CA009909.

ClinVar aggregate classification (germline): Uncertain significance. Review status: criteria provided, multiple submitters, no conflicts (2 of 4 stars). 8 submissions from 8 submitters: Uncertain significance (6). 2 of the submissions do not count toward it. Last evaluated 2025-12-16.

Conditions:
Familial adenomatous polyposis 1 (FAP1). Also called: FAMILIAL ADENOMATOUS POLYPOSIS 1, ATTENUATED; POLYPOSIS, ADENOMATOUS INTESTINAL. Identifiers: MedGen C2713442, MONDO:0021056, OMIM 175100. Disease mechanism: loss of function.
Classic or attenuated familial adenomatous polyposis. Identifiers: MedGen CN372698, MONDO:0021057.
Hereditary cancer-predisposing syndrome. Also called: Tumor predisposition; Hereditary neoplastic syndrome; Neoplastic Syndromes, Hereditary; Hereditary Cancer Syndrome. Identifiers: Orphanet 140162, MedGen C0027672, MeSH D009386, MONDO:0015356.
Malignant tumor of breast. Also called: Cancer breast; Malignant breast neoplasm. Identifiers: MedGen C0006142, MONDO:0007254. Disease mechanism: loss of function.

Allele frequency attached by ClinVar (database versions not stated): gnomAD exomes below 0.00001; ExAC 0.00001; gnomAD 0.00001.
gnomAD v4.1: 2 of 1,613,872 alleles (0.00012%); highest among the groups gnomAD compares: East Asian, 0.0045%; no homozygotes.

Submissions (8):

Color Diagnostics, LLC DBA Color Health
Classification: Uncertain significance for Hereditary cancer-predisposing syndrome. Last evaluated: 2025-12-16. Review status: criteria provided, single submitter. Criteria: ACMG Guidelines, 2015. Collection method: clinical testing. Allele origin: germline.
Comment: This missense variant replaces glutamic acid with glycine at codon 1726 of the APC protein. Computational prediction suggests that this variant may have deleterious impact on protein structure and function. To our knowledge, functional studies have not been reported for this variant. This variant has not been reported in individuals affected with APC-related disorders in the literature. This variant has been identified in 2/1613872 chromosomes in the general population by the Genome Aggregation Database (gnomAD). The available evidence is insufficient to determine the role of this variant in disease conclusively. Therefore, this variant is classified as a Variant of Uncertain Significance.

Quest Diagnostics Nichols Institute San Juan Capistrano
Classification: Uncertain significance. Last evaluated: 2025-10-27. Review status: criteria provided, single submitter. Criteria: Quest Diagnostics criteria. Collection method: clinical testing. Allele origin: unknown.
Comment: The APC c.5177A>G (p.Glu1726Gly) variant has been reported in the published literature in a reportedly unaffected individual (PMID: 32885271 (2021)). The frequency of this variant in the general population (Genome Aggregation Database) is uninformative in the assessment of its pathogenicity. Analysis of this variant using bioinformatics tools for the prediction of the effect of amino acid changes on protein structure and function yielded predictions that this variant is damaging. Based on the available information, we are unable to determine the clinical significance of this variant.

Labcorp Genetics (formerly Invitae), Labcorp
Classification: Uncertain significance for Familial adenomatous polyposis 1. Last evaluated: 2025-07-23. Review status: criteria provided, single submitter. Criteria: Invitae Variant Classification Sherloc (09022015). Collection method: clinical testing. Allele origin: germline.
Comment: This sequence change replaces glutamic acid, which is acidic and polar, with glycine, which is neutral and non-polar, at codon 1726 of the APC protein (p.Glu1726Gly). The frequency data for this variant in the population databases is considered unreliable, as metrics indicate poor data quality at this position in the gnomAD database. This variant has not been reported in the literature in individuals affected with APC-related conditions. ClinVar contains an entry for this variant (Variation ID: 135707). Invitae Evidence Modeling of protein sequence and biophysical properties (such as structural, functional, and spatial information, amino acid conservation, physicochemical variation, residue mobility, and thermodynamic stability) indicates that this missense variant is not expected to disrupt APC protein function with a negative predictive value of 95%. In summary, the available evidence is currently insufficient to determine the role of this variant in disease. Therefore, it has been classified as a Variant of Uncertain Significance.

Ambry Genetics
Classification: Uncertain significance for Hereditary cancer-predisposing syndrome. Last evaluated: 2025-01-13. Review status: criteria provided, single submitter. Criteria: Ambry Variant Classification Scheme 2023. Collection method: clinical testing. Allele origin: germline.
Comment: The p.E1726G variant (also known as c.5177A>G), located in coding exon 15 of the APC gene, results from an A to G substitution at nucleotide position 5177. The glutamic acid at codon 1726 is replaced by glycine, an amino acid with similar properties. This amino acid position is highly conserved in available vertebrate species. In addition, in silico predictors for this gene do not accurately predict pathogenicity. Since supporting evidence is limited at this time, the clinical significance of this alteration remains unclear.

All of Us Research Program, National Institutes of Health
Classification: Uncertain significance for Classic or attenuated familial adenomatous polyposis. Last evaluated: 2023-11-20. Review status: criteria provided, single submitter. Criteria: ACMG Guidelines, 2015. Collection method: clinical testing. Allele origin: germline. Inheritance: Autosomal dominant inheritance. Observed: 3 variant alleles, 3 heterozygotes.
Comment: This missense variant replaces glutamic acid with glycine at codon 1726 of the APC protein. Computational prediction suggests that this variant may have deleterious impact on protein structure and function (internally defined REVEL score threshold >= 0.7, PMID: 27666373). To our knowledge, functional studies have not been reported for this variant. This variant has not been reported in individuals affected with APC-related disorders in the literature. This variant has been identified in 1/245182 chromosomes in the general population by the Genome Aggregation Database (gnomAD). The available evidence is insufficient to determine the role of this variant in disease conclusively. Therefore, this variant is classified as a Variant of Uncertain Significance.

This study involves interpretation of variants in research participants for the purpose of population health screening. Participant phenotype was not available at the time of variant classification. Additional details can be found in publication PMID: 35346344, PMCID: PMC8962531

Myriad Genetics, Inc.
Classification: Uncertain significance for Familial adenomatous polyposis 1. Last evaluated: 2023-02-21. Review status: criteria provided, single submitter. Criteria: Myriad Autosomal Dominant, Autosomal Recessive and X-Linked Classification Criteria (2023). Collection method: clinical testing. Allele origin: unknown.
Comment: This variant is classified as a variant of uncertain significance as there is insufficient evidence to determine its impact on protein function and/or cancer risk.

Counsyl
Classification: Uncertain significance for Familial adenomatous polyposis 1. Last evaluated: 2016-12-21. Review status: no assertion criteria provided. Collection method: clinical testing. Allele origin: unknown. Not counted in ClinVar's aggregate classification.

Department of Pathology and Laboratory Medicine, Sinai Health System
Classification: Uncertain significance for Malignant tumor of breast. Review status: no assertion criteria provided. Collection method: clinical testing. Allele origin: unknown. Affected: yes. Study: The Canadian Open Genetics Repository (COGR). Not counted in ClinVar's aggregate classification.
Comment: The APC p.Glu1726Gly variant was not identified in the literature nor was it identified in the LOVD 3.0 or UMD-LSDB databases. The variant was identified in dbSNP (rs587780598) as â€šÃ„Ãºwith uncertain significance alleleâ€šÃ„Ã¹ and ClinVar (classified as uncertain significance by Invitae, Ambry Genetics and Counsyl). The variant was identified in control databases in 2 of 281,834 chromosomes at a frequency of 0.000007 (Genome Aggregation Database Feb 27, 2017). The variant was observed in the East Asian population in 2 of 19,946 chromosomes (freq: 0.0001); it was not observed in the African, Latino, Ashkenazi Jewish, Finnish, European, Other or South Asian populations. The p.Glu1726 residue is conserved across mammals and other organisms, and four out of five computational analyses (PolyPhen-2, SIFT, AlignGVGD, BLOSUM, MutationTaster) suggest that the Gly variant may impact the protein; however, this information is not predictive enough to assume pathogenicity. The variant occurs outside of the splicing consensus sequence and in silico or computational prediction software programs (SpliceSiteFinder, MaxEntScan, NNSPLICE, GeneSplicer) do not predict a difference in splicing. In summary, based on the above information, the clinical significance of this variant cannot be determined with certainty at this time. This variant is classified as a variant of uncertain significance.

Literature cited by the submitters: PubMed 32885271 (cited by Quest Diagnostics Nichols Institute San Juan Capistrano).